The following is an entry in ClinVar:

NM_002972.4(SBF1):c.2994G>C (p.Glu998Asp)

Gene: SBF1 (SET binding factor 1; minus strand). Cytogenetic location: 22q13.33.
Variant type: single nucleotide variant.
Coding change: c.2994G>C on transcript NM_002972.4 (MANE Select); coding-DNA position 2994, G replaced by C.
Protein change: p.Glu998Asp; replaces glutamic acid 998 with aspartic acid.
Molecular consequence: missense variant.
Genome position (GRCh38, 1-based): chr22:50,460,686, C>G on the plus strand (G>C on the coding strand, the complement: SBF1 is on the minus strand). VCF-style: chr22-50460686-C-G. GRCh37 (hg19) VCF-style: chr22-50899115-C-G.
Other names: c.2997G>C, p.Glu999Asp (NM_001365819.1); short protein forms E998D, E999D.
Identifiers: ClinVar variation 1346298 (VCV001346298.6), dbSNP rs2148586412, ClinGen allele CA412207605.

ClinVar aggregate classification (germline): Uncertain significance (1 of 4 stars; one submission).

Submission:

Labcorp Genetics (formerly Invitae), Labcorp
Classification: Uncertain significance. Last evaluated: 2021-11-03. Review status: criteria provided, single submitter. Criteria: Invitae Variant Classification Sherloc (09022015). Collection method: clinical testing. Allele origin: germline.
Comment: This sequence change replaces glutamic acid, which is acidic and polar, with aspartic acid, which is acidic and polar, at codon 998 of the SBF1 protein (p.Glu998Asp). This variant is not present in population databases (gnomAD no frequency). This variant has not been reported in the literature in individuals affected with SBF1-related conditions. Algorithms developed to predict the effect of missense changes on protein structure and function (SIFT, PolyPhen-2, Align-GVGD) all suggest that this variant is likely to be tolerated. In summary, the available evidence is currently insufficient to determine the role of this variant in disease. Therefore, it has been classified as a Variant of Uncertain Significance.